The following is an entry in ClinVar:

NM_006214.4(PHYH):c.206T>C (p.Ile69Thr)

Gene: PHYH (phytanoyl-CoA 2-hydroxylase; minus strand). Cytogenetic location: 10p13.
Variant type: single nucleotide variant.
Coding change: c.206T>C on transcript NM_006214.4 (MANE Select); coding-DNA position 206, T replaced by C.
Protein change: p.Ile69Thr; replaces isoleucine 69 with threonine.
Molecular consequence: missense variant. On other transcripts: 5 prime UTR variant (3).
Genome position (GRCh38, 1-based): chr10:13,295,535, A>G on the plus strand (T>C on the coding strand, the complement: PHYH is on the minus strand). VCF-style: chr10-13295535-A-G. GRCh37 (hg19) VCF-style: chr10-13337535-A-G.
Other names: c.-95T>C (NM_001037537.2, NM_001323080.2, NM_001323084.2); c.206T>C, p.Ile69Thr (NM_001323082.2, NM_001323083.2); short protein forms I69T.
Identifiers: ClinVar variation 167469 (VCV000167469.13), dbSNP rs143820757, ClinGen allele CA234552.

ClinVar aggregate classification (germline): Uncertain significance. Review status: criteria provided, multiple submitters, no conflicts (2 of 4 stars). 3 submissions from 3 submitters: Uncertain significance (3). Last evaluated 2025-08-11.

Allele frequency attached by ClinVar (database versions not stated): ExAC 0.00002; ESP Exome Variant Server 0.00008; gnomAD exomes 0.00001 and 0.00002; gnomAD 0.00001; TOPMed 0.00002.
gnomAD v4.1: 31 of 1,566,222 alleles (0.002%); highest among the groups gnomAD compares: Non-Finnish European, 0.0027%; no homozygotes.

Submissions (3):

Labcorp Genetics (formerly Invitae), Labcorp
Classification: Uncertain significance. Last evaluated: 2025-08-11. Review status: criteria provided, single submitter. Criteria: Invitae Variant Classification Sherloc (09022015). Collection method: clinical testing. Allele origin: germline.
Comment: This sequence change replaces isoleucine, which is neutral and non-polar, with threonine, which is neutral and polar, at codon 69 of the PHYH protein (p.Ile69Thr). This variant is present in population databases (rs143820757, gnomAD 0.002%). This variant has not been reported in the literature in individuals affected with PHYH-related conditions. ClinVar contains an entry for this variant (Variation ID: 167469). Invitae Evidence Modeling of protein sequence and biophysical properties (such as structural, functional, and spatial information, amino acid conservation, physicochemical variation, residue mobility, and thermodynamic stability) indicates that this missense variant is expected to disrupt PHYH protein function with a positive predictive value of 80%. In summary, the available evidence is currently insufficient to determine the role of this variant in disease. Therefore, it has been classified as a Variant of Uncertain Significance.

Blueprint Genetics
Classification: Uncertain significance. Last evaluated: 2022-03-12. Review status: criteria provided, single submitter. Criteria: ACMG Guidelines, 2015. Collection method: clinical testing. Allele origin: germline.

Eurofins Ntd Llc (ga)
Classification: Uncertain significance. Last evaluated: 2014-01-17. Review status: criteria provided, single submitter. Criteria: EGL Classification Definitions 2015. Collection method: clinical testing. Allele origin: germline. Observed: 1 variant allele, 1 heterozygote.